The following is an entry in ClinVar:

ClinVar aggregate classification (germline): Uncertain significance. Review status: criteria provided, multiple submitters, no conflicts (2 of 4 stars). 2 submissions from 2 submitters: Uncertain significance (2). Last evaluated 2025-02-18.

Conditions:
Inborn genetic diseases. Identifiers: MedGen C0950123, MeSH D030342.
Fanconi anemia (FA). Also called: Fanconi's anemia. Identifiers: Orphanet 84, MedGen C0015625, MeSH D005199, MONDO:0019391.

Allele frequency attached by ClinVar (database versions not stated): gnomAD exomes 0.00002; ExAC 0.00004; ESP Exome Variant Server 0.00008; gnomAD 0.00009; TOPMed 0.00016.
gnomAD v4.1: 20 of 1,612,886 alleles (0.0012%); highest among the groups gnomAD compares: African/African-American, 0.025%; no homozygotes.

Submissions (2):

Labcorp Genetics (formerly Invitae), Labcorp
Classification: Uncertain significance for Fanconi anemia. Last evaluated: 2025-02-18. Review status: criteria provided, single submitter. Criteria: Invitae Variant Classification Sherloc (09022015). Collection method: clinical testing. Allele origin: germline.
Comment: This sequence change replaces glutamine, which is neutral and polar, with glutamic acid, which is acidic and polar, at codon 1206 of the FANCM protein (p.Gln1206Glu). This variant is present in population databases (rs377167890, gnomAD 0.03%). This variant has not been reported in the literature in individuals affected with FANCM-related conditions. ClinVar contains an entry for this variant (Variation ID: 1011098). An algorithm developed to predict the effect of missense changes on protein structure and function (PolyPhen-2) suggests that this variant is likely to be tolerated. In summary, the available evidence is currently insufficient to determine the role of this variant in disease. Therefore, it has been classified as a Variant of Uncertain Significance.

Ambry Genetics
Classification: Uncertain significance for Inborn genetic diseases. Last evaluated: 2024-11-18. Review status: criteria provided, single submitter. Criteria: Ambry Variant Classification Scheme 2023. Collection method: clinical testing. Allele origin: germline.
Comment: The p.Q1206E variant (also known as c.3616C>G), located in coding exon 14 of the FANCM gene, results from a C to G substitution at nucleotide position 3616. The glutamine at codon 1206 is replaced by glutamic acid, an amino acid with highly similar properties. This amino acid position is conserved. In addition, this alteration is predicted to be tolerated by in silico analysis. Based on the available evidence, the clinical significance of this variant remains unclear.

NM_020937.4(FANCM):c.3616C>G (p.Gln1206Glu)

Gene: FANCM (FA complementation group M; plus strand). Cytogenetic location: 14q21.2.
Variant type: single nucleotide variant.
Coding change: c.3616C>G on transcript NM_020937.4 (MANE Select); coding-DNA position 3616, C replaced by G.
Protein change: p.Gln1206Glu; replaces glutamine 1206 with glutamic acid.
Molecular consequence: missense variant.
Genome position (GRCh38, 1-based): chr14:45,176,370, C>G. VCF-style: chr14-45176370-C-G. GRCh37 (hg19) VCF-style: chr14-45645573-C-G.
Other names: c.3616C>G (NM_020937.2); c.3538C>G, p.Gln1180Glu (NM_001308133.2); short protein forms Q1180E, Q1206E.
Identifiers: ClinVar variation 1011098 (VCV001011098.9), dbSNP rs377167890, ClinGen allele CA7169541.
Genomic context (GRCh38, chr14:45,176,370, plus strand): 5'-AATAATTCTGAACTCCAAGATCAAATCACCCGTGATGCTAATAGTTTTAAATCTCGTGAT[C>G]AGAGAGGTGTACAGGAAGAAAAAGTGAAGAATCATGAGGATATTTTTGATTGCTCTAGGG-3'
Protein context (NP_065988.1, residues 1196-1216): RDANSFKSRD[Gln1206Glu]RGVQEEKVKN